The following is an entry in ClinVar:

NM_001001548.3(CD36):c.1254+1G>A

Gene: CD36 (CD36 molecule (CD36 blood group); plus strand). Cytogenetic location: 7q21.11.
Variant type: single nucleotide variant.
Coding change: c.1254+1G>A on transcript NM_001001548.3 (MANE Select); the canonical splice donor site of the intron after coding-DNA position 1254, G replaced by A.
Molecular consequence: splice donor variant.
Genome position (GRCh38, 1-based): chr7:80,673,410, G>A. VCF-style: chr7-80673410-G-A. GRCh37 (hg19) VCF-style: chr7-80302726-G-A.
Other names: c.1254+1G>A (NM_001371075.1, NM_001001547.3, NM_001371074.1 and 5 more transcripts); c.789+1G>A (NM_001371081.1, NM_001371080.1); c.1026+1G>A (NM_001289911.2); c.1152+1G>A (NM_001371079.1); c.1074+1G>A (NM_001289909.1); c.1137+1G>A (NM_001289908.1).
Identifiers: ClinVar variation 417926 (VCV000417926.13), dbSNP rs148051111, ClinGen allele CA4315754.

ClinVar aggregate classification (germline): Likely pathogenic. Review status: criteria provided, multiple submitters, no conflicts (2 of 4 stars). 4 submissions from 4 submitters: Likely pathogenic (3). 1 of the submissions does not count toward it. Last evaluated 2025-11-18.

Conditions:
CD36-related disorder. Also called: CD36-related condition; CD36-related disorders.
Platelet-type bleeding disorder 10. Also called: CD36 DEFICIENCY. Identifiers: MedGen C1842090, MONDO:0012031, OMIM 608404.
Malaria, susceptibility to. Identifiers: Orphanet 673, MedGen C1970028, MONDO:0021024, OMIM 611162.
Coronary heart disease, susceptibility to, 7. Identifiers: MedGen C1970441, MONDO:0012585, OMIM 610938.

Allele frequency attached by ClinVar (database versions not stated): gnomAD 0.00004; TOPMed 0.00005; ESP Exome Variant Server 0.00015.
gnomAD v4.1: 180 of 1,557,556 alleles (0.012%); highest among the groups gnomAD compares: Non-Finnish European, 0.015%; no homozygotes.

Submissions (4):

PreventionGenetics, part of Exact Sciences
Classification: Likely pathogenic for CD36-related condition. Last evaluated: 2025-11-18. Review status: criteria provided, single submitter. Criteria: ACMG Guidelines, 2015. Collection method: clinical testing. Allele origin: germline.
Comment: The CD36 c.1254+1G>A variant is predicted to disrupt the GT donor site and interfere with normal splicing. This variant was reported, heterozygous, in multiple individuals undergoing preconception carrier screening (Capalbo et al. 2019. PubMed ID: 31589614). It is unclear if any of these individuals were affected or if they carried additional variants in the CD36 gene. This variant is reported in 0.023% of alleles in individuals of European (Non-Finnish) descent in gnomAD. Variants that disrupt the consensus splice donor site in CD36 are expected to be pathogenic. This variant is interpreted as likely pathogenic.

GeneDx
Classification: Likely pathogenic. Last evaluated: 2023-06-29. Review status: criteria provided, single submitter. Criteria: GeneDx Variant Classification Process June 2021. Collection method: clinical testing. Allele origin: germline. Affected: yes.
Comment: Canonical splice site variant predicted to result in a null allele in a gene for which loss of function is a known mechanism of disease; Has not been previously published as pathogenic or benign to our knowledge; This variant is associated with the following publications: (PMID: 31589614)

Revvity Omics, Revvity
Classification: Likely pathogenic for Platelet-type bleeding disorder 10. Last evaluated: 2019-07-24. Review status: criteria provided, single submitter. Criteria: ACMG Guidelines, 2015. Collection method: clinical testing. Allele origin: germline.

Division of Human Genetics, Children's Hospital of Philadelphia
Classification: Likely pathogenic for Coronary heart disease, susceptibility to, 7; Malaria, susceptibility to; Platelet-type bleeding disorder 10. Last evaluated: 2016-03-26. Review status: no assertion criteria provided. Collection method: research. Allele origin: paternal. Affected: yes. Study: CSER-PediSeq. Not counted in ClinVar's aggregate classification.